The following is an entry in ClinVar:

NM_000260.4(MYO7A):c.5434G>A (p.Glu1812Lys)

Gene: MYO7A (myosin VIIA; plus strand). Cytogenetic location: 11q13.5.
Variant type: single nucleotide variant.
Coding change: c.5434G>A on transcript NM_000260.4 (MANE Select); coding-DNA position 5434, G replaced by A.
Protein change: p.Glu1812Lys; replaces glutamic acid 1812 with lysine.
Molecular consequence: missense variant.
Genome position (GRCh38, 1-based): chr11:77,204,183, G>A. VCF-style: chr11-77204183-G-A. GRCh37 (hg19) VCF-style: chr11-76915228-G-A.
Other names: c.5320G>A, p.Glu1774Lys (NM_001127180.2); c.5287G>A, p.Glu1763Lys (NM_001369365.1); short protein forms E1812K, E1763K, E1774K.
Identifiers: ClinVar variation 632175 (VCV000632175.15), dbSNP rs377267777, ClinGen allele CA6198709.
Genomic context (GRCh38, chr11:77,204,183, plus strand): 5'-GTCAACGAGCTCACCGACCAGATCTTTGAGGGTCCCCTGAAAGCCGAGCCCCTGAAGGAC[G>A]AGGCATATGTGCAGATCCTGAAGCAGCTGACCGACAACCACATCAGGTGAGCCAGGCACA-3'
Protein context (NP_000251.3, residues 1802-1822): GPLKAEPLKD[Glu1812Lys]AYVQILKQLT

ClinVar aggregate classification (germline): Pathogenic/Likely pathogenic. Review status: criteria provided, multiple submitters, no conflicts (2 of 4 stars). 5 submissions from 5 submitters: Pathogenic (1); Likely pathogenic (3). 1 of the submissions does not count toward it. Last evaluated 2025-01-08.

Conditions:
Retinal dystrophy. Also called: Inherited retinal dystrophy. Identifiers: Orphanet 71862, MedGen C0854723, MeSH D058499, MONDO:0019118, HP:0000556.
MYO7A-related disorder. Also called: MYO7A-related disorders.
Hearing loss, autosomal recessive. Also called: Deafness, autosomal recessive; Rare autosomal recessive non-syndromic sensorineural deafness type DFNB; Autosomal recessive nonsyndromic deafness; Nonsyndromic Hearing Loss, Recessive. Identifiers: Orphanet 90635, Orphanet 90636, MedGen C1846647, MONDO:0019588, OMIM 607197.

Allele frequency attached by ClinVar (database versions not stated): ExAC below 0.00001; TOPMed 0.00001; ESP Exome Variant Server 0.00008; gnomAD exomes below 0.00001.
gnomAD v4.1: 5 of 1,586,372 alleles (0.00032%); highest among the groups gnomAD compares: Non-Finnish European, 0.00043%; no homozygotes.

Submissions (5):

Labcorp Genetics (formerly Invitae), Labcorp
Classification: Pathogenic. Last evaluated: 2025-01-08. Review status: criteria provided, single submitter. Criteria: Invitae Variant Classification Sherloc (09022015). Collection method: clinical testing. Allele origin: germline.
Comment: This sequence change replaces glutamic acid, which is acidic and polar, with lysine, which is basic and polar, at codon 1812 of the MYO7A protein (p.Glu1812Lys). This variant is not present in population databases (gnomAD no frequency). This missense change has been observed in individuals with Usher syndrome (PMID: 21436283, 23591405, 25798947). It has also been observed to segregate with disease in related individuals. ClinVar contains an entry for this variant (Variation ID: 632175). Invitae Evidence Modeling of protein sequence and biophysical properties (such as structural, functional, and spatial information, amino acid conservation, physicochemical variation, residue mobility, and thermodynamic stability) indicates that this missense variant is expected to disrupt MYO7A protein function with a positive predictive value of 95%. For these reasons, this variant has been classified as Pathogenic.

GeneDx
Classification: Likely pathogenic. Last evaluated: 2023-06-24. Review status: criteria provided, single submitter. Criteria: GeneDx Variant Classification Process June 2021. Collection method: clinical testing. Allele origin: germline. Affected: yes.
Comment: Not observed at significant frequency in large population cohorts (gnomAD); In silico analysis supports that this missense variant has a deleterious effect on protein structure/function; This variant is associated with the following publications: (PMID: 21311020, 30303587, 27440999, 33671976, 25798947, 21436283, 32531858, 32037395, 22311968, 29196752, 23591405)

Illumina Laboratory Services, Illumina
Classification: Likely pathogenic for MYO7A-Related Disorders. Last evaluated: 2018-08-16. Review status: criteria provided, single submitter. Criteria: ICSL Variant Classification Criteria 09 May 2019. Collection method: clinical testing. Allele origin: germline.
Comment: Variants in the MYO7A gene are associated with MYO7A-related disorders, including both autosomal dominant and recessive nonsydromic hearing loss and Usher syndrome. The MYO7A c.5434G>A (p.Glu1812Lys) missense variant has been reported at least three studies in which it is found in a homozygous state in four individuals from three families with Usher syndrome (Roux et al. 2011; GlÃ¶ckle et al. 2014; Riahi et al, 2015). In two families, the parents of the affected individuals were each identified as being heterozygous for the p.Glu1812Lys variant. Control data are not available for this variant, which is reported at a frequency of 0.000237 in the African American population of the Exome Sequencing Project, however this is based on one allele in a region of good sequencing coverage so the variant is presumed to be rare. Wu et al. (2011) report on the crystal structure of the MyTH4-FREM domains of MYO7A and note that the p.Glu1812Lys variant occurs in the c-terminal region of the domain, where the authors suggest it is likely to disrupt folding. Based on the evidence, the p.Glu1812Lys variant is classified as likely pathogenic for MYO7A-related disorders. Note: While this variant has not been reported in conjunction with autosomal dominant nonsyndromic hearing loss, disease risk cannot be ruled out. This variant was observed by ICSL as part of a predisposition screen in an ostensibly healthy population.

Institute of Human Genetics, Univ. Regensburg, Univ. Regensburg
Classification: Likely pathogenic for Retinal dystrophy. Last evaluated: 2018-01-01. Review status: criteria provided, single submitter. Criteria: ACMG Guidelines, 2015. Collection method: clinical testing. Allele origin: germline. Affected: yes.

University of Washington Center for Mendelian Genomics, University of Washington
Classification: Likely pathogenic for non-syndromic autosomal recessive hearing loss. Review status: no assertion criteria provided. Collection method: research. Allele origin: inherited. Affected: yes. Not counted in ClinVar's aggregate classification.

Literature cited by the submitters: PubMed 21436283 (cited by 3 submitters); PubMed 23591405 (cited by Labcorp Genetics (formerly Invitae), Labcorp and Illumina Laboratory Services, Illumina); PubMed 25798947 (cited by 3 submitters); PubMed 21311020 (cited by Illumina Laboratory Services, Illumina); PubMed 32531858 (cited by Institute of Human Genetics, Univ. Regensburg, Univ. Regensburg); PubMed 30303587 (cited by University of Washington Center for Mendelian Genomics, University of Washington).